The following is an entry in ClinVar:

ClinVar aggregate classification (germline): Uncertain significance (1 of 4 stars; one submission).

Conditions:
Fanconi anemia complementation group N. Also called: PALB2-Related Fanconi Anemia. Identifiers: Orphanet 84, MedGen C1835817, MONDO:0012565, OMIM 610832. Disease mechanism: loss of function.

Submission:

Diagnostics Services (NGS), CSIR - Centre For Cellular And Molecular Biology
Classification: Uncertain significance for Fanconi anemia complementation group N. Last evaluated: 2026-06-17. Review status: criteria provided, single submitter. Criteria: ACMG Guidelines, 2015. Collection method: clinical testing. Allele origin: germline. Affected: yes. Observed: 1 variant allele, 1 heterozygote.
Comment: The c.2825G>A variant is not present in 1000 Genomes, EVS, gnomAD, Indian Exome Database or in our internal database. This variant has neither been published in the literature for PALB2-related conditions nor reported to clinical databases like Human Genome Mutation Database (HGMD), ClinVar or OMIM, in any affected individuals. Predictions from different in-silico pathogenicity prediction programs like SIFT, PolyPhen-2, REVEL, MutationTaster2, CADD, Varsome, Franklin etc. are contradictory however these predictions were not confirmed by published functional studies.

NM_024675.4(PALB2):c.2825G>A (p.Arg942Lys)

Gene: PALB2 (partner and localizer of BRCA2; minus strand). Cytogenetic location: 16p12.2.
Variant type: single nucleotide variant.
Coding change: c.2825G>A on transcript NM_024675.4 (MANE Select); coding-DNA position 2825, G replaced by A.
Protein change: p.Arg942Lys; replaces arginine 942 with lysine.
Molecular consequence: missense variant.
Genome position (GRCh38, 1-based): chr16:23,624,018, C>T on the plus strand (G>A on the coding strand, the complement: PALB2 is on the minus strand). VCF-style: chr16-23624018-C-T. GRCh37 (hg19) VCF-style: chr16-23635339-C-T.
Other names: c.2765G>A, p.Arg922Lys (NM_001407296.1); c.2753G>A, p.Arg918Lys (NM_001407297.1); c.2663G>A, p.Arg888Lys (NM_001407298.1, NM_001407302.1); c.2825G>A, p.Arg942Lys (NM_001407299.1, NM_001407300.1, NM_001407301.1); c.1940G>A, p.Arg647Lys (NM_001407304.1, NM_001407305.1, NM_001407306.1 and 4 more transcripts); c.1778G>A, p.Arg593Lys (NM_001407307.1); c.1037G>A, p.Arg346Lys (NM_001407312.1, NM_001407313.1); c.359G>A, p.Arg120Lys (NM_001407314.1); short protein forms R120K, R346K, R593K, R647K, R888K, R918K, R922K, R942K.
Identifiers: ClinVar variation 4884507 (VCV004884507.1).